The following is an entry in ClinVar:

NM_001042492.3(NF1):c.1440_1441delinsG (p.Pro481fs)

Gene: NF1 (neurofibromin 1; plus strand). Cytogenetic location: 17q11.2.
Variant type: Indel.
Coding change: c.1440_1441delinsG on transcript NM_001042492.3 (MANE Select); coding-DNA positions 1440 to 1441, AC replaced by G.
Protein change: p.Pro481fs; shifts the reading frame from proline 481.
Molecular consequence: frameshift variant.
Genome position (GRCh38, 1-based): chr17:31,214,498-31,214,499, AC replaced by G. VCF-style: chr17-31214498-AC-G. GRCh37 (hg19) VCF-style: chr17-29541516-AC-G.
Other names: c.1440_1441delACinsG (NM_000267.3); c.1440_1441delACinsG, p.Pro481Leufs (NM_000267.4); c.1440_1441delinsG, p.Pro481fs (NM_001128147.3); short protein forms P481fs.
Identifiers: ClinVar variation 3238255 (VCV003238255.2), dbSNP rs2544829334.

ClinVar aggregate classification (germline): Pathogenic. Review status: criteria provided, multiple submitters, no conflicts (2 of 4 stars). 2 submissions from 2 submitters: Pathogenic (2). Last evaluated 2024-02-15.

Conditions:
Neurofibromatosis, type 1 (NF1). Also called: VON RECKLINGHAUSEN DISEASE; Neurofibromatosis, type I; NEUROFIBROMATOSIS, TYPE I, SOMATIC; Peripheral type neurofibromatosis. Identifiers: Orphanet 636, MedGen C0027831, MONDO:0018975, OMIM 162200. Disease mechanism: loss of function.
Hereditary cancer-predisposing syndrome. Also called: Hereditary Cancer Syndrome; Tumor predisposition; Neoplastic Syndromes, Hereditary; Hereditary neoplastic syndrome. Identifiers: Orphanet 140162, MedGen C0027672, MeSH D009386, MONDO:0015356.
Cardiovascular phenotype. Identifiers: MedGen CN230736.

Submissions (2):

Ambry Genetics
Classification: Pathogenic for Cardiovascular phenotype; Hereditary cancer-predisposing syndrome. Last evaluated: 2024-02-15. Review status: criteria provided, single submitter. Criteria: Ambry Variant Classification Scheme 2023. Collection method: clinical testing. Allele origin: germline.
Comment: The c.1440_1441delACinsG pathogenic mutation, located in coding exon 13 of the NF1 gene, results from the deletion of two nucleotides and insertion of one nucleotide causing a translational frameshift with a predicted alternate stop codon (p.P481Lfs*17). This variant has been observed in at least one individual with a personal and/or family history that is consistent with neurofibromatosis type 1 (NF1) (Ambry internal data). This variant is considered to be rare based on population cohorts in the Genome Aggregation Database (gnomAD). This alteration is expected to result in loss of function by premature protein truncation or nonsense-mediated mRNA decay. As such, this alteration is interpreted as a disease-causing mutation.

Labcorp Genetics (formerly Invitae), Labcorp
Classification: Pathogenic for Neurofibromatosis, type 1. Last evaluated: 2020-05-21. Review status: criteria provided, single submitter. Criteria: Invitae Variant Classification Sherloc (09022015). Collection method: clinical testing. Allele origin: germline.
Comment: For these reasons, this variant has been classified as Pathogenic. Loss-of-function variants in NF1 are known to be pathogenic (PMID: 10712197, 23913538). This variant has not been reported in the literature in individuals with NF1-related conditions. This variant is not present in population databases (ExAC no frequency). This sequence change creates a premature translational stop signal (p.Pro481Leufs*17) in the NF1 gene. It is expected to result in an absent or disrupted protein product.

Literature cited by the submitters: PubMed 10712197 (cited by Labcorp Genetics (formerly Invitae), Labcorp); PubMed 23913538 (cited by Labcorp Genetics (formerly Invitae), Labcorp).